The following is an entry in ClinVar:

NM_000718.4(CACNA1B):c.5654G>A (p.Gly1885Asp)

Gene: CACNA1B (calcium voltage-gated channel subunit alpha1 B; plus strand). Cytogenetic location: 9q34.3.
Variant type: single nucleotide variant.
Coding change: c.5654G>A on transcript NM_000718.4 (MANE Select); coding-DNA position 5654, G replaced by A.
Protein change: p.Gly1885Asp; replaces glycine 1885 with aspartic acid.
Molecular consequence: missense variant.
Genome position (GRCh38, 1-based): chr9:138,115,556, G>A. VCF-style: chr9-138115556-G-A. GRCh37 (hg19) VCF-style: chr9-141010008-G-A.
Other names: c.5654G>A, p.Gly1885Asp (NM_001243812.2); c.5654G>A (NM_000718.3); short protein forms G1885D.
Identifiers: ClinVar variation 3647473 (VCV003647473.3).

ClinVar aggregate classification (germline): Uncertain significance. Review status: criteria provided, multiple submitters, no conflicts (2 of 4 stars). 2 submissions from 2 submitters: Uncertain significance (2). Last evaluated 2026-02-01.

gnomAD v4.1: 34 of 1,612,976 alleles (0.0021%); highest among the groups gnomAD compares: South Asian, 0.036%; 1 homozygote.

Submissions (2):

GeneDx
Classification: Uncertain significance. Last evaluated: 2026-02-01. Review status: criteria provided, single submitter. Criteria: GeneDx Variant Classification Process June 2021. Collection method: clinical testing. Allele origin: germline.
Comment: In silico analysis suggests that this missense variant does not alter protein structure/function; Has not been previously published as pathogenic or benign to our knowledge

Labcorp Genetics (formerly Invitae), Labcorp
Classification: Uncertain significance. Last evaluated: 2024-12-19. Review status: criteria provided, single submitter. Criteria: Invitae Variant Classification Sherloc (09022015). Collection method: clinical testing. Allele origin: germline.
Comment: This sequence change replaces glycine, which is neutral and non-polar, with aspartic acid, which is acidic and polar, at codon 1885 of the CACNA1B protein (p.Gly1885Asp). This variant is present in population databases (rs778779362, gnomAD 0.03%). This variant has not been reported in the literature in individuals affected with CACNA1B-related conditions. Invitae Evidence Modeling of protein sequence and biophysical properties (such as structural, functional, and spatial information, amino acid conservation, physicochemical variation, residue mobility, and thermodynamic stability) indicates that this missense variant is not expected to disrupt CACNA1B protein function with a negative predictive value of 80%. In summary, the available evidence is currently insufficient to determine the role of this variant in disease. Therefore, it has been classified as a Variant of Uncertain Significance.